The following is an entry in ClinVar:

NM_000733.4(CD3E):c.116C>A (p.Ser39Tyr)

Gene: CD3E (CD3 epsilon subunit of T-cell receptor complex; plus strand). Cytogenetic location: 11q23.3.
Variant type: single nucleotide variant.
Coding change: c.116C>A on transcript NM_000733.4 (MANE Select); coding-DNA position 116, C replaced by A.
Protein change: p.Ser39Tyr; replaces serine 39 with tyrosine.
Molecular consequence: missense variant.
Genome position (GRCh38, 1-based): chr11:118,312,630, C>A. VCF-style: chr11-118312630-C-A. GRCh37 (hg19) VCF-style: chr11-118183345-C-A.
Other names: c.116C>A (NM_000733.3); short protein forms S39Y.
Identifiers: ClinVar variation 1465746 (VCV001465746.4), dbSNP rs369130631, ClinGen allele CA6301628.
Genomic context (GRCh38, chr11:118,312,630, plus strand): 5'-CTAAAATTGTCCTGGTTTCTTCTGCCAATTTCCCTTCTTTCTCCCCAGCATATAAAGTCT[C>A]CATCTCTGGAACCACAGTAATATTGACATGCCCTCAGTATCCTGGATCTGAAATACTATG-3'
Protein context (NP_000724.1, residues 29-49): GGITQTPYKV[Ser39Tyr]ISGTTVILTC

ClinVar aggregate classification (germline): Uncertain significance. Review status: criteria provided, multiple submitters, no conflicts (2 of 4 stars). 2 submissions from 2 submitters: Uncertain significance (2). Last evaluated 2024-02-27.

Conditions:
Immunodeficiency 18 (IMD18). Also called: CD3-EPSILON DEFICIENCY; CD3epsilon deficiency. Identifiers: MedGen C3810127, MONDO:0014278, OMIM 615615.
Inborn genetic diseases. Identifiers: MedGen C0950123, MeSH D030342.

Allele frequency attached by ClinVar (database versions not stated): ExAC 0.00001; TOPMed 0.00002; gnomAD 0.00002; ESP Exome Variant Server 0.00008.
gnomAD v4.1: 61 of 1,614,080 alleles (0.0038%); highest among the groups gnomAD compares: Non-Finnish European, 0.0048%; no homozygotes.

Submissions (2):

Ambry Genetics
Classification: Uncertain significance for Inborn genetic diseases. Last evaluated: 2024-02-27. Review status: criteria provided, single submitter. Criteria: Ambry Variant Classification Scheme 2023. Collection method: clinical testing. Allele origin: germline.

Labcorp Genetics (formerly Invitae), Labcorp
Classification: Uncertain significance for Immunodeficiency 18. Last evaluated: 2022-01-17. Review status: criteria provided, single submitter. Criteria: Invitae Variant Classification Sherloc (09022015). Collection method: clinical testing. Allele origin: germline.
Comment: This sequence change replaces serine, which is neutral and polar, with tyrosine, which is neutral and polar, at codon 39 of the CD3E protein (p.Ser39Tyr). This variant is present in population databases (rs369130631, gnomAD 0.002%). This variant has not been reported in the literature in individuals affected with CD3E-related conditions. Algorithms developed to predict the effect of missense changes on protein structure and function are either unavailable or do not agree on the potential impact of this missense change (SIFT: "Deleterious"; PolyPhen-2: "Possibly Damaging"; Align-GVGD: "Class C15"). In summary, the available evidence is currently insufficient to determine the role of this variant in disease. Therefore, it has been classified as a Variant of Uncertain Significance.